The following is an entry in ClinVar:

ClinVar aggregate classification (germline): Likely pathogenic (1 of 4 stars; one submission).

Conditions:
Nephrolithiasis/nephrocalcinosis. Identifiers: MedGen CN580796.

Submission:

Ambry Genetics
Classification: Likely pathogenic for Nephrolithiasis/nephrocalcinosis. Last evaluated: 2019-10-09. Review status: criteria provided, single submitter. Criteria: Ambry Variant Classification Scheme 2023. Collection method: clinical testing. Allele origin: germline.
Comment: The p.A50P variant (also known as c.148G>C), located in coding exon 3 of the HPRT1 gene, results from a G to C substitution at nucleotide position 148. The alanine at codon 50 is replaced by proline, an amino acid with highly similar properties. In one study, this alteration was detected in an individual with HGprt-related neurological dysfunction (HND). In addition, authors used fibroblast cultures to show that both Hprt and Hprt enzyme activity for this alteration was significantly reduced (less than 2%) compared to normal controls (Fu R et al. Mol. Genet. Metab., 2015 Jan;114:55-61). This amino acid position is highly conserved in available vertebrate species. In addition, this alteration is predicted to be deleterious by in silico analysis. Based on the majority of available evidence to date, this variant is likely to be pathogenic.

Literature cited by the submitters: PubMed 23975452; PubMed 25481104.

NM_000194.3(HPRT1):c.148G>C (p.Ala50Pro)

Gene: HPRT1 (hypoxanthine phosphoribosyltransferase 1; plus strand). Cytogenetic location: Xq26.2.
Variant type: single nucleotide variant.
Coding change: c.148G>C on transcript NM_000194.3 (MANE Select); coding-DNA position 148, G replaced by C.
Protein change: p.Ala50Pro; replaces alanine 50 with proline.
Molecular consequence: missense variant.
Genome position (GRCh38, 1-based): chrX:134,475,194, G>C. VCF-style: chrX-134475194-G-C. GRCh37 (hg19) VCF-style: chrX-133609224-G-C.
Other names: short protein forms A50P.
Identifiers: ClinVar variation 521480 (VCV000521480.7), dbSNP rs1556026984, ClinGen allele CA414711880.